The following is an entry in ClinVar:

NM_198253.3(TERT):c.536G>T (p.Gly179Val)

Gene: TERT (telomerase reverse transcriptase; minus strand). Cytogenetic location: 5p15.33.
Variant type: single nucleotide variant.
Coding change: c.536G>T on transcript NM_198253.3 (MANE Select); coding-DNA position 536, G replaced by T.
Protein change: p.Gly179Val; replaces glycine 179 with valine.
Molecular consequence: missense variant. On other transcripts: non-coding transcript variant (2).
Genome position (GRCh38, 1-based): chr5:1,294,350, C>A on the plus strand (G>T on the coding strand, the complement: TERT is on the minus strand). VCF-style: chr5-1294350-C-A. GRCh37 (hg19) VCF-style: chr5-1294465-C-A.
Other names: c.536G>T, p.Gly179Val (NM_001193376.3); short protein forms G179V.
Identifiers: ClinVar variation 579719 (VCV000579719.10), dbSNP rs771590775, ClinGen allele CA3184962.

ClinVar aggregate classification (germline): Uncertain significance. Review status: criteria provided, multiple submitters, no conflicts (2 of 4 stars). 2 submissions from 2 submitters: Uncertain significance (2). Last evaluated 2023-03-26.

Conditions:
Idiopathic Pulmonary Fibrosis. Also called: Idiopathic fibrosing alveolitis, chronic form; idiopathic fibrosing alveolitis. Identifiers: Orphanet 2032, MedGen C1800706, MeSH D054990, MONDO:0800504.
Dyskeratosis congenita, autosomal dominant 2. Identifiers: MedGen C3151443, MONDO:0013521, OMIM 613989.
Dyskeratosis congenita. Identifiers: Orphanet 1775, MedGen C0265965, MONDO:0015780.

Allele frequency attached by ClinVar (database versions not stated): TOPMed 0.00001; ExAC 0.00002; gnomAD 0.00003.

Submissions (2):

Ambry Genetics
Classification: Uncertain significance for Dyskeratosis congenita. Last evaluated: 2023-03-26. Review status: criteria provided, single submitter. Criteria: Ambry Variant Classification Scheme 2023. Collection method: clinical testing. Allele origin: germline.
Comment: The p.G179V variant (also known as c.536G>T), located in coding exon 2 of the TERT gene, results from a G to T substitution at nucleotide position 536. The glycine at codon 179 is replaced by valine, an amino acid with dissimilar properties. This amino acid position is conserved. In addition, this alteration is predicted to be tolerated by in silico analysis. Since supporting evidence is limited at this time, the clinical significance of this alteration remains unclear.

Labcorp Genetics (formerly Invitae), Labcorp
Classification: Uncertain significance for Dyskeratosis congenita, autosomal dominant 2; Idiopathic Pulmonary Fibrosis. Last evaluated: 2018-05-10. Review status: criteria provided, single submitter. Criteria: Invitae Variant Classification Sherloc (09022015). Collection method: clinical testing. Allele origin: germline.
Comment: This variant has not been reported in the literature in individuals with TERT-related disease. In summary, the available evidence is currently insufficient to determine the role of this variant in disease. Therefore, it has been classified as a Variant of Uncertain Significance. Algorithms developed to predict the effect of missense changes on protein structure and function (SIFT, PolyPhen-2, Align-GVGD) all suggest that this variant is likely to be tolerated, but these predictions have not been confirmed by published functional studies and their clinical significance is uncertain. This variant is present in population databases (rs771590775, ExAC 0.04%). This sequence change replaces glycine with valine at codon 179 of the TERT protein (p.Gly179Val). The glycine residue is weakly conserved and there is a moderate physicochemical difference between glycine and valine.